The following is an entry in ClinVar:

ClinVar aggregate classification (germline): Uncertain significance (1 of 4 stars; one submission).

Conditions:
Dyskeratosis congenita, autosomal dominant 2. Identifiers: MedGen C3151443, MONDO:0013521, OMIM 613989.
Idiopathic Pulmonary Fibrosis. Also called: Idiopathic fibrosing alveolitis, chronic form; idiopathic fibrosing alveolitis. Identifiers: Orphanet 2032, MedGen C1800706, MeSH D054990, MONDO:0800504.

Submission:

Labcorp Genetics (formerly Invitae), Labcorp
Classification: Uncertain significance for Dyskeratosis congenita, autosomal dominant 2; Idiopathic Pulmonary Fibrosis. Last evaluated: 2019-11-26. Review status: criteria provided, single submitter. Criteria: Invitae Variant Classification Sherloc (09022015). Collection method: clinical testing. Allele origin: germline.
Comment: This sequence change replaces arginine with histidine at codon 48 of the TERT protein (p.Arg48His). The arginine residue is weakly conserved and there is a small physicochemical difference between arginine and histidine. The frequency data for this variant in the population databases is considered unreliable, as metrics indicate insufficient coverage at this position in the ExAC database. This variant has not been reported in the literature in individuals with TERT-related conditions. Algorithms developed to predict the effect of missense changes on protein structure and function are either unavailable or do not agree on the potential impact of this missense change (SIFT: "Deleterious"; PolyPhen-2: "Benign"; Align-GVGD: "Class C0"). In summary, the available evidence is currently insufficient to determine the role of this variant in disease. Therefore, it has been classified as a Variant of Uncertain Significance.

NM_198253.3(TERT):c.143G>A (p.Arg48His)

Genes: TERT (telomerase reverse transcriptase; minus strand), LOC110806263 (TERT 5' regulatory region; plus strand). Cytogenetic location: 5p15.33.
Variant type: single nucleotide variant.
Coding change: c.143G>A on transcript NM_198253.3 (MANE Select); coding-DNA position 143, G replaced by A.
Protein change: p.Arg48His; replaces arginine 48 with histidine.
Molecular consequence: missense variant. On other transcripts: non-coding transcript variant (2).
Genome position (GRCh38, 1-based): chr5:1,294,847, C>T on the plus strand (G>A on the coding strand, the complement: TERT is on the minus strand). VCF-style: chr5-1294847-C-T. GRCh37 (hg19) VCF-style: chr5-1294962-C-T.
Other names: c.143G>A, p.Arg48His (NM_001193376.3); short protein forms R48H.
Identifiers: ClinVar variation 853301 (VCV000853301.10), dbSNP rs1751291943, ClinGen allele CA359059074.